The following is an entry in ClinVar:

ClinVar aggregate classification (germline): Likely pathogenic (1 of 4 stars; one submission).

Conditions:
Bardet-Biedl syndrome (BBS). Identifiers: Orphanet 110, MedGen C0752166, MONDO:0015229.

Submission:

Labcorp Genetics (formerly Invitae), Labcorp
Classification: Likely pathogenic for Bardet-Biedl syndrome. Last evaluated: 2023-04-27. Review status: criteria provided, single submitter. Criteria: Invitae Variant Classification Sherloc (09022015). Collection method: clinical testing. Allele origin: germline.
Comment: This variant has not been reported in the literature in individuals affected with BBS9-related conditions. This sequence change affects the donor splice site and inserts a large fragment of DNA, likely a transposable element, in intron 4 of the BBS9. It is expected to disrupt RNA splicing. Variants that disrupt the donor or acceptor splice site typically lead to a loss of protein function (PMID: 16199547), and loss-of-function variants in BBS9 are known to be pathogenic (PMID: 16380913, 20177705). In summary, the currently available evidence indicates that the variant is pathogenic, but additional data are needed to prove that conclusively. Therefore, this variant has been classified as Likely Pathogenic.

Literature cited by the submitters: PubMed 16199547; PubMed 16380913; PubMed 20177705.

NM_198428.3(BBS9):c.292_328+3delinsAAATATTTTTTTTTTCTTTTCTTTTTTTTTTTTTTTTTTTTTTTTTTTTTTTTTTTTTTTTTTTGAGACGGAGTCTCGCTCTGTCGCCCAGGCCGGACTGCGGACTGCAGTGGCGCAATCTCGGCTCACTGCAAGCTCCGCTTCCCGGGTTCACGCCATTCTCCTGCCTCAGCCTCCCGAGTAGCTGGGACTACAGGCGCCTGCCACCGCGCCCGGCTAATTTTTTTTTGTATTTTTAGTAGAGACGGGGTTTCACCTTGTTAGCCAGGATGGTCTCGATCTCCTGACCTCATGATCCACCCGCCTCGGCCTCCCAAAGTGCTGGGATTACAGGCGTGAGCCACCGCGCCCGGCC

Gene: BBS9 (Bardet-Biedl syndrome 9; plus strand). Cytogenetic location: 7p14.3.
Variant type: Indel.
Coding change: c.292_328+3delinsAAATATTTTTTTTTTCTTTTCTTTTTTTTTTTTTTTTTTTTTTTTTTTTTTTTTTTTTTTTTTTGAGACGGAGTCTCGCTCTGTCGCCCAGGCCGGACTGCGGACTGCAGTGGCGCAATCTCGGCTCACTGCAAGCTCCGCTTCCCGGGTTCACGCCATTCTCCTGCCTCAGCCTCCCGAGTAGCTGGGACTACAGGCGCCTGCCACCGCGCCCGGCTAATTTTTTTTTGTATTTTTAGTAGAGACGGGGTTTCACCTTGTTAGCCAGGATGGTCTCGATCTCCTGACCTCATGATCCACCCGCCTCGGCCTCCCAAAGTGCTGGGATTACAGGCGTGAGCCACCGCGCCCGGCC on transcript NM_198428.3 (MANE Select); coding-DNA position 292 through 3 bases into the intron after coding-DNA position 328, the reference bases replaced by an inserted sequence.
Molecular consequence: splice donor variant. On other transcripts: intron variant (4).
Genome position (GRCh38, 1-based): chr7:33,155,666-33,155,705, 40 bases replaced. GRCh37 (hg19): chr7:33,195,278-33,195,317.
Other names: c.292_328+3delinsAAATATTTTTTTTTTCTTTTCTTTTTTTTTTTTTTTTTTTTTTTTTTTTTTTTTTTTTTTTTTTGAGACGGAGTCTCGCTCTGTCGCCCAGGCCGGACTGCGGACTGCAGTGGCGCAATCTCGGCTCACTGCAAGCTCCGCTTCCCGGGTTCACGCCATTCTCCTGCCTCAGCCTCCCGAGTAGCTGGGACTACAGGCGCCTGCCACCGCGCCCGGCTAATTTTTTTTTGTATTTTTAGTAGAGACGGGGTTTCACCTTGTTAGCCAGGATGGTCTCGATCTCCTGACCTCATGATCCACCCGCCTCGGCCTCCCAAAGTGCTGGGATTACAGGCGTGAGCCACCGCGCCCGGCC (NM_001348036.1, NM_001362679.1, NM_001348041.4 and 5 more transcripts); c.19_55+3delinsAAATATTTTTTTTTTCTTTTCTTTTTTTTTTTTTTTTTTTTTTTTTTTTTTTTTTTTTTTTTTTGAGACGGAGTCTCGCTCTGTCGCCCAGGCCGGACTGCGGACTGCAGTGGCGCAATCTCGGCTCACTGCAAGCTCCGCTTCCCGGGTTCACGCCATTCTCCTGCCTCAGCCTCCCGAGTAGCTGGGACTACAGGCGCCTGCCACCGCGCCCGGCTAATTTTTTTTTGTATTTTTAGTAGAGACGGGGTTTCACCTTGTTAGCCAGGATGGTCTCGATCTCCTGACCTCATGATCCACCCGCCTCGGCCTCCCAAAGTGCTGGGATTACAGGCGTGAGCCACCGCGCCCGGCC (NM_001348038.3, NM_001348039.3); c.-39+2815_-39+2854delinsAAATATTTTTTTTTTCTTTTCTTTTTTTTTTTTTTTTTTTTTTTTTTTTTTTTTTTTTTTTTTTGAGACGGAGTCTCGCTCTGTCGCCCAGGCCGGACTGCGGACTGCAGTGGCGCAATCTCGGCTCACTGCAAGCTCCGCTTCCCGGGTTCACGCCATTCTCCTGCCTCAGCCTCCCGAGTAGCTGGGACTACAGGCGCCTGCCACCGCGCCCGGCTAATTTTTTTTTGTATTTTTAGTAGAGACGGGGTTTCACCTTGTTAGCCAGGATGGTCTCGATCTCCTGACCTCATGATCCACCCGCCTCGGCCTCCCAAAGTGCTGGGATTACAGGCGTGAGCCACCGCGCCCGGCC (NM_001348037.3, NM_001348045.3); c.157_193+3delinsAAATATTTTTTTTTTCTTTTCTTTTTTTTTTTTTTTTTTTTTTTTTTTTTTTTTTTTTTTTTTTGAGACGGAGTCTCGCTCTGTCGCCCAGGCCGGACTGCGGACTGCAGTGGCGCAATCTCGGCTCACTGCAAGCTCCGCTTCCCGGGTTCACGCCATTCTCCTGCCTCAGCCTCCCGAGTAGCTGGGACTACAGGCGCCTGCCACCGCGCCCGGCTAATTTTTTTTTGTATTTTTAGTAGAGACGGGGTTTCACCTTGTTAGCCAGGATGGTCTCGATCTCCTGACCTCATGATCCACCCGCCTCGGCCTCCCAAAGTGCTGGGATTACAGGCGTGAGCCACCGCGCCCGGCC (NM_001348042.3); c.-38-21812_-38-21773delinsAAATATTTTTTTTTTCTTTTCTTTTTTTTTTTTTTTTTTTTTTTTTTTTTTTTTTTTTTTTTTTGAGACGGAGTCTCGCTCTGTCGCCCAGGCCGGACTGCGGACTGCAGTGGCGCAATCTCGGCTCACTGCAAGCTCCGCTTCCCGGGTTCACGCCATTCTCCTGCCTCAGCCTCCCGAGTAGCTGGGACTACAGGCGCCTGCCACCGCGCCCGGCTAATTTTTTTTTGTATTTTTAGTAGAGACGGGGTTTCACCTTGTTAGCCAGGATGGTCTCGATCTCCTGACCTCATGATCCACCCGCCTCGGCCTCCCAAAGTGCTGGGATTACAGGCGTGAGCCACCGCGCCCGGCC (NM_001348046.3, NM_001348044.3).
Identifiers: ClinVar variation 2859740 (VCV002859740.3), dbSNP rs2535328278, ClinGen allele CA2739266400.